The following is an entry in ClinVar:

NM_000081.4(LYST):c.6791G>C (p.Ser2264Thr)

Gene: LYST (lysosomal trafficking regulator; minus strand). Cytogenetic location: 1q42.3.
Variant type: single nucleotide variant.
Coding change: c.6791G>C on transcript NM_000081.4 (MANE Select); coding-DNA position 6791, G replaced by C.
Protein change: p.Ser2264Thr; replaces serine 2264 with threonine.
Molecular consequence: missense variant.
Genome position (GRCh38, 1-based): chr1:235,759,062, C>G on the plus strand (G>C on the coding strand, the complement: LYST is on the minus strand). VCF-style: chr1-235759062-C-G. GRCh37 (hg19) VCF-style: chr1-235922362-C-G.
Other names: c.6791G>C, p.Ser2264Thr (NM_001301365.1); short protein forms S2264T.
Identifiers: ClinVar variation 2630161 (VCV002630161.1), dbSNP rs1190055262, ClinGen allele CA344939362.

ClinVar aggregate classification (germline): Uncertain significance (1 of 4 stars; one submission).

Conditions:
LYST-related disorder. Also called: LYST-related condition.

Allele frequency attached by ClinVar (database versions not stated): gnomAD 0.00001.
gnomAD v4.1: 1 of 1,614,002 alleles (0.000062%); highest among the groups gnomAD compares: African/African-American, 0.0013%; no homozygotes.

Submission:

PreventionGenetics, part of Exact Sciences
Classification: Uncertain significance for LYST-related condition. Last evaluated: 2023-01-30. Review status: criteria provided, single submitter. Criteria: ACMG Guidelines, 2015. Collection method: clinical testing. Allele origin: germline.
Comment: The LYST c.6791G>C variant is predicted to result in the amino acid substitution p.Ser2264Thr. To our knowledge, this variant has not been reported in the literature. This variant is reported in 0.011% of alleles in individuals of African descent in gnomAD. At this time, the clinical significance of this variant is uncertain due to the absence of conclusive functional and genetic evidence.